The following is an entry in ClinVar:

ClinVar aggregate classification (germline): Uncertain significance (1 of 4 stars; one submission).

Allele frequency attached by ClinVar (database versions not stated): gnomAD exomes below 0.00001; TOPMed 0.00001.
gnomAD v4.1: 2 of 1,614,250 alleles (0.00012%); highest among the groups gnomAD compares: East Asian, 0.0022%; no homozygotes.

Submission:

Labcorp Genetics (formerly Invitae), Labcorp
Classification: Uncertain significance. Last evaluated: 2022-11-28. Review status: criteria provided, single submitter. Criteria: Invitae Variant Classification Sherloc (09022015). Collection method: clinical testing. Allele origin: germline.
Comment: This sequence change falls in intron 22 of the CLCN6 gene. It does not directly change the encoded amino acid sequence of the CLCN6 protein. It affects a nucleotide within the consensus splice site. This variant is not present in population databases (gnomAD no frequency). This variant has not been reported in the literature in individuals affected with CLCN6-related conditions. ClinVar contains an entry for this variant (Variation ID: 1369694). Variants that disrupt the consensus splice site are a relatively common cause of aberrant splicing (PMID: 17576681, 9536098). Algorithms developed to predict the effect of sequence changes on RNA splicing suggest that this variant may disrupt the consensus splice site. In summary, the available evidence is currently insufficient to determine the role of this variant in disease. Therefore, it has been classified as a Variant of Uncertain Significance.

Literature cited by the submitters: PubMed 17576681; PubMed 9536098.

NM_001286.5(CLCN6):c.2529+5G>A

Genes: CLCN6 (chloride voltage-gated channel 6; plus strand), LOC129929417 (ATAC-STARR-seq lymphoblastoid active region 178; plus strand). Cytogenetic location: 1p36.22.
Variant type: single nucleotide variant.
Coding change: c.2529+5G>A on transcript NM_001286.5 (MANE Select); 5 bases into the intron after coding-DNA position 2529, G replaced by A.
Molecular consequence: intron variant.
Genome position (GRCh38, 1-based): chr1:11,838,665, G>A. VCF-style: chr1-11838665-G-A. GRCh37 (hg19) VCF-style: chr1-11898722-G-A.
Other names: c.2463+5G>A (NM_001256959.2).
Identifiers: ClinVar variation 1369694 (VCV001369694.6), dbSNP rs980034962, ClinGen allele CA18004890.